The following is an entry in ClinVar:

NM_014915.3(ANKRD26):c.1292A>C (p.Gln431Pro)

Gene: ANKRD26 (ankyrin repeat domain containing 26; minus strand). Cytogenetic location: 10p12.1.
Variant type: single nucleotide variant.
Coding change: c.1292A>C on transcript NM_014915.3 (MANE Select); coding-DNA position 1292, A replaced by C.
Protein change: p.Gln431Pro; replaces glutamine 431 with proline.
Molecular consequence: missense variant.
Genome position (GRCh38, 1-based): chr10:27,064,059, T>G on the plus strand (A>C on the coding strand, the complement: ANKRD26 is on the minus strand). VCF-style: chr10-27064059-T-G. GRCh37 (hg19) VCF-style: chr10-27352988-T-G.
Other names: c.1292A>C, p.Gln431Pro (NM_001256053.2); short protein forms Q431P.
Identifiers: ClinVar variation 3914586 (VCV003914586.1).

ClinVar aggregate classification (germline): Uncertain significance (1 of 4 stars; one submission).

Conditions:
Inborn genetic diseases. Identifiers: MedGen C0950123, MeSH D030342.

Submission:

Ambry Genetics
Classification: Uncertain significance for Inborn genetic diseases. Last evaluated: 2025-05-17. Review status: criteria provided, single submitter. Criteria: Ambry Variant Classification Scheme 2023. Collection method: clinical testing. Allele origin: germline.
Comment: The p.Q431P variant (also known as c.1292A>C), located in coding exon 12 of the ANKRD26 gene, results from an A to C substitution at nucleotide position 1292. The glutamine at codon 431 is replaced by proline, an amino acid with similar properties. This amino acid position is conserved. In addition, this alteration is predicted to be tolerated by in silico analysis. Based on the available evidence, the clinical significance of this variant remains unclear.